The following is an entry in ClinVar:

NM_014009.4(FOXP3):c.482T>G (p.Val161Gly)

Gene: FOXP3 (forkhead box P3; minus strand). Cytogenetic location: Xp11.23.
Variant type: single nucleotide variant.
Coding change: c.482T>G on transcript NM_014009.4 (MANE Select); coding-DNA position 482, T replaced by G.
Protein change: p.Val161Gly; replaces valine 161 with glycine.
Molecular consequence: missense variant.
Genome position (GRCh38, 1-based): chrX:49,256,985, A>C on the plus strand (T>G on the coding strand, the complement: FOXP3 is on the minus strand). VCF-style: chrX-49256985-A-C. GRCh37 (hg19) VCF-style: chrX-49113442-A-C.
Other names: c.377T>G, p.Val126Gly (NM_001114377.2); short protein forms V126G, V161G.
Identifiers: ClinVar variation 3598353 (VCV003598353.3).

ClinVar aggregate classification (germline): Uncertain significance. Review status: criteria provided, multiple submitters, no conflicts (2 of 4 stars). 2 submissions from 2 submitters: Uncertain significance (2). Last evaluated 2026-01-18.

Conditions:
Insulin-dependent diabetes mellitus secretory diarrhea syndrome (IPEX). Also called: Immune dysregulation-polyendocrinopathy-enteropathy-X-linked syndrome; Immunodeficiency, Polyendocrinopathy, and Enteropathy X-Linked Syndrome; X-Linked Syndrome of Polyendocrinopathy, Immune Dysfunction, and Diarrhea; IMMUNODEFICIENCY, POLYENDOCRINOPATHY, AND ENTEROPATHY, X-LINKED; Immunodysregulation, polyendocrinopathy, and enteropathy, X-linked; IPEX and IPEX-Like. Identifiers: Orphanet 37042, MedGen C0342288, MONDO:0010580, OMIM 304790. Disease mechanism: loss of function.

gnomAD v4.1: 8 of 1,208,418 alleles (0.00066%); highest among the groups gnomAD compares: Non-Finnish European, 0.00089%; no homozygotes.

Submissions (2):

Labcorp Genetics (formerly Invitae), Labcorp
Classification: Uncertain significance for Insulin-dependent diabetes mellitus secretory diarrhea syndrome. Last evaluated: 2026-01-18. Review status: criteria provided, single submitter. Criteria: Invitae Variant Classification Sherloc (09022015). Collection method: clinical testing. Allele origin: germline.
Comment: This sequence change replaces valine, which is neutral and non-polar, with glycine, which is neutral and non-polar, at codon 161 of the FOXP3 protein (p.Val161Gly). This variant is not present in population databases (gnomAD no frequency). This variant has not been reported in the literature in individuals affected with FOXP3-related conditions. ClinVar contains an entry for this variant (Variation ID: 3598353). Invitae Evidence Modeling of protein sequence and biophysical properties (such as structural, functional, and spatial information, amino acid conservation, physicochemical variation, residue mobility, and thermodynamic stability) indicates that this missense variant is not expected to disrupt FOXP3 protein function with a negative predictive value of 80%. In summary, the available evidence is currently insufficient to determine the role of this variant in disease. Therefore, it has been classified as a Variant of Uncertain Significance.

Fulgent Genetics
Classification: Uncertain significance for Insulin-dependent diabetes mellitus secretory diarrhea syndrome. Last evaluated: 2024-05-08. Review status: criteria provided, single submitter. Criteria: ACMG Guidelines, 2015. Collection method: clinical testing. Allele origin: germline.